The following is an entry in ClinVar:

NM_000051.4(ATM):c.7280T>C (p.Leu2427Pro)

Genes: ATM (ATM serine/threonine kinase; plus strand), C11orf65 (chromosome 11 open reading frame 65; minus strand). Cytogenetic location: 11q22.3.
Variant type: single nucleotide variant.
Coding change: c.7280T>C on transcript NM_000051.4 (MANE Select); coding-DNA position 7280, T replaced by C.
Protein change: p.Leu2427Pro; replaces leucine 2427 with proline.
Molecular consequence: missense variant. On other transcripts: intron variant (2).
Genome position (GRCh38, 1-based): chr11:108,329,211, T>C. VCF-style: chr11-108329211-T-C. GRCh37 (hg19) VCF-style: chr11-108199938-T-C.
Other names: c.7280T>C, p.Leu2427Pro (NM_001351834.2); c.641-20140A>G (NM_001330368.2); c.*38+6009A>G (NM_001351110.2); short protein forms L2427P.
Identifiers: ClinVar variation 490692 (VCV000490692.16), dbSNP rs1555122272, ClinGen allele CA382559785.

ClinVar aggregate classification (germline): Uncertain significance. Review status: criteria provided, multiple submitters, no conflicts (2 of 4 stars). 3 submissions from 3 submitters: Uncertain significance (3). Last evaluated 2025-11-19.

Conditions:
Hereditary cancer-predisposing syndrome. Also called: Hereditary Cancer Syndrome; Neoplastic Syndromes, Hereditary; Tumor predisposition; Hereditary neoplastic syndrome. Identifiers: Orphanet 140162, MedGen C0027672, MeSH D009386, MONDO:0015356.
Ataxia-telangiectasia syndrome (AT). Also called: Cerebello-oculocutaneous telangiectasia; Immunodeficiency with ataxia telangiectasia; Ataxia-telangiectasia, complementation group E; Ataxia-telangiectasia, complementation group D; AT, COMPLEMENTATION GROUP C; ATAXIA-TELANGIECTASIA, COMPLEMENTATION GROUP A. Identifiers: Orphanet 100, MedGen C0004135, MONDO:0008840, OMIM 208900.

Submissions (3):

Labcorp Genetics (formerly Invitae), Labcorp
Classification: Uncertain significance for Ataxia-telangiectasia syndrome. Last evaluated: 2025-11-19. Review status: criteria provided, single submitter. Criteria: Invitae Variant Classification Sherloc (09022015). Collection method: clinical testing. Allele origin: germline.
Comment: This sequence change replaces leucine, which is neutral and non-polar, with proline, which is neutral and non-polar, at codon 2427 of the ATM protein (p.Leu2427Pro). This variant is not present in population databases (gnomAD no frequency). This variant has not been reported in the literature in individuals affected with ATM-related conditions. ClinVar contains an entry for this variant (Variation ID: 490692). Invitae Evidence Modeling of protein sequence and biophysical properties (such as structural, functional, and spatial information, amino acid conservation, physicochemical variation, residue mobility, and thermodynamic stability) has been performed for this missense variant. However, the output from this modeling did not meet the statistical confidence thresholds required to predict the impact of this variant on ATM protein function. In summary, the available evidence is currently insufficient to determine the role of this variant in disease. Therefore, it has been classified as a Variant of Uncertain Significance.

Ambry Genetics
Classification: Uncertain significance for Hereditary cancer-predisposing syndrome. Last evaluated: 2022-09-29. Review status: criteria provided, single submitter. Criteria: Ambry Variant Classification Scheme 2023. Collection method: clinical testing. Allele origin: germline.
Comment: The p.L2427P variant (also known as c.7280T>C), located in coding exon 48 of the ATM gene, results from a T to C substitution at nucleotide position 7280. The leucine at codon 2427 is replaced by proline, an amino acid with similar properties. This amino acid position is not well conserved in available vertebrate species. In addition, the in silico prediction for this alteration is inconclusive. Since supporting evidence is limited at this time, the clinical significance of this alteration remains unclear.

Color Diagnostics, LLC DBA Color Health
Classification: Uncertain significance for Hereditary cancer-predisposing syndrome. Last evaluated: 2018-12-21. Review status: criteria provided, single submitter. Criteria: ACMG Guidelines, 2015. Collection method: clinical testing. Allele origin: germline.